The following is an entry in ClinVar:

NM_032578.4(MYPN):c.212A>G (p.Glu71Gly)

Gene: MYPN (myopalladin; plus strand). Cytogenetic location: 10q21.3.
Variant type: single nucleotide variant.
Coding change: c.212A>G on transcript NM_032578.4 (MANE Select); coding-DNA position 212, A replaced by G.
Protein change: p.Glu71Gly; replaces glutamic acid 71 with glycine.
Molecular consequence: missense variant. On other transcripts: 5 prime UTR variant (1), non-coding transcript variant (1).
Genome position (GRCh38, 1-based): chr10:68,121,650, A>G. VCF-style: chr10-68121650-A-G. GRCh37 (hg19) VCF-style: chr10-69881407-A-G.
Other names: c.212A>G, p.Glu71Gly (NM_001256267.2); c.-911A>G (NM_001256268.2); short protein forms E71G.
Identifiers: ClinVar variation 1481062 (VCV001481062.7), dbSNP rs1161067131, ClinGen allele CA377103843.

ClinVar aggregate classification (germline): Uncertain significance. Review status: criteria provided, multiple submitters, no conflicts (2 of 4 stars). 3 submissions from 3 submitters: Uncertain significance (3). Last evaluated 2024-10-07.

Conditions:
Cardiovascular phenotype. Identifiers: MedGen CN230736.
Dilated cardiomyopathy 1KK (CMD1KK). Identifiers: Orphanet 154, Orphanet 75249, MedGen C3714995, MONDO:0014100, OMIM 615248.

Allele frequency attached by ClinVar (database versions not stated): gnomAD 0.00001; gnomAD exomes 0.00001; TOPMed 0.00001.
gnomAD v4.1: 21 of 1,614,100 alleles (0.0013%); highest among the groups gnomAD compares: Non-Finnish European, 0.0018%; no homozygotes.

Submissions (3):

Ambry Genetics
Classification: Uncertain significance for Cardiovascular phenotype. Last evaluated: 2024-10-07. Review status: criteria provided, single submitter. Criteria: Ambry Variant Classification Scheme 2023. Collection method: clinical testing. Allele origin: germline.
Comment: The p.E71G variant (also known as c.212A>G), located in coding exon 1 of the MYPN gene, results from an A to G substitution at nucleotide position 212. The glutamic acid at codon 71 is replaced by glycine, an amino acid with similar properties. This amino acid position is highly conserved in available vertebrate species. In addition, this alteration is predicted to be deleterious by in silico analysis. Since supporting evidence is limited at this time, the clinical significance of this alteration remains unclear.

Labcorp Genetics (formerly Invitae), Labcorp
Classification: Uncertain significance for Dilated cardiomyopathy 1KK. Last evaluated: 2021-09-02. Review status: criteria provided, single submitter. Criteria: Invitae Variant Classification Sherloc (09022015). Collection method: clinical testing. Allele origin: germline.
Comment: This sequence change replaces glutamic acid with glycine at codon 71 of the MYPN protein (p.Glu71Gly). The glutamic acid residue is moderately conserved and there is a moderate physicochemical difference between glutamic acid and glycine. This variant is not present in population databases (ExAC no frequency). This variant has not been reported in the literature in individuals affected with MYPN-related conditions. Algorithms developed to predict the effect of missense changes on protein structure and function are either unavailable or do not agree on the potential impact of this missense change (SIFT: "Tolerated"; PolyPhen-2: "Probably Damaging"; Align-GVGD: "Class C0"). In summary, the available evidence is currently insufficient to determine the role of this variant in disease. Therefore, it has been classified as a Variant of Uncertain Significance.

AiLife Diagnostics
Classification: Uncertain significance. Last evaluated: 2021-07-30. Review status: criteria provided, single submitter. Criteria: ACMG Guidelines, 2015. Collection method: clinical testing. Allele origin: germline. Affected: yes. Observed: 1 variant allele.